The following is an entry in ClinVar:

NM_000051.4(ATM):c.1389A>G (p.Ala463=)

Gene: ATM (ATM serine/threonine kinase; plus strand). Cytogenetic location: 11q22.3.
Variant type: single nucleotide variant.
Coding change: c.1389A>G on transcript NM_000051.4 (MANE Select); coding-DNA position 1389, A replaced by G.
Protein change: p.Ala463=; no amino-acid change (alanine 463 retained).
Molecular consequence: synonymous variant.
Genome position (GRCh38, 1-based): chr11:108,250,854, A>G. VCF-style: chr11-108250854-A-G. GRCh37 (hg19) VCF-style: chr11-108121581-A-G.
Other names: c.1389A>G, p.Ala463= (NM_001351834.2).
Identifiers: ClinVar variation 919740 (VCV000919740.12), dbSNP rs2080102935, ClinGen allele CA476671972.

ClinVar aggregate classification (germline): Benign/Likely benign. Review status: criteria provided, multiple submitters, no conflicts (2 of 4 stars). 4 submissions from 4 submitters: Benign (1); Likely benign (3). Last evaluated 2025-01-21.

Conditions:
Hereditary cancer-predisposing syndrome. Also called: Hereditary Cancer Syndrome; Hereditary neoplastic syndrome; Neoplastic Syndromes, Hereditary; Tumor predisposition. Identifiers: Orphanet 140162, MedGen C0027672, MeSH D009386, MONDO:0015356.
Familial cancer of breast. Also called: hereditary breast carcinoma; BREAST CANCER, FAMILIAL; Hereditary breast cancer. Identifiers: Orphanet 227535, MedGen C0346153, MONDO:0016419, OMIM 114480. Disease mechanism: loss of function.
Ataxia-telangiectasia syndrome (AT). Also called: Ataxia-telangiectasia, complementation group E; LOUIS-BAR SYNDROME; Cerebello-oculocutaneous telangiectasia; Immunodeficiency with ataxia telangiectasia; Ataxia-telangiectasia, complementation group D; AT, COMPLEMENTATION GROUP C. Identifiers: Orphanet 100, MedGen C0004135, MONDO:0008840, OMIM 208900.

gnomAD v4.1: 3 of 1,614,198 alleles (0.00019%); highest among the groups gnomAD compares: Non-Finnish European, 0.00025%; no homozygotes.

Submissions (4):

Labcorp Genetics (formerly Invitae), Labcorp
Classification: Likely benign for Ataxia-telangiectasia syndrome. Last evaluated: 2025-01-21. Review status: criteria provided, single submitter. Criteria: Invitae Variant Classification Sherloc (09022015). Collection method: clinical testing. Allele origin: germline.

Ambry Genetics
Classification: Likely benign for Hereditary cancer-predisposing syndrome. Last evaluated: 2024-08-01. Review status: criteria provided, single submitter. Criteria: Ambry Variant Classification Scheme 2023. Collection method: clinical testing. Allele origin: germline.

Myriad Genetics, Inc.
Classification: Benign for Familial cancer of breast. Last evaluated: 2024-04-29. Review status: criteria provided, single submitter. Criteria: Myriad Autosomal Dominant, Autosomal Recessive and X-Linked Classification Criteria (2023). Collection method: clinical testing. Allele origin: unknown.
Comment: This variant is considered benign. This variant is a silent/synonymous amino acid change and it is not expected to impact splicing.

Color Diagnostics, LLC DBA Color Health
Classification: Likely benign for Hereditary cancer-predisposing syndrome. Last evaluated: 2020-01-27. Review status: criteria provided, single submitter. Criteria: ACMG Guidelines, 2015. Collection method: clinical testing. Allele origin: germline.